The following is an entry in ClinVar:

NM_000214.3(JAG1):c.793T>G (p.Cys265Gly)

Gene: JAG1 (jagged canonical Notch ligand 1; minus strand). Cytogenetic location: 20p12.2.
Variant type: single nucleotide variant.
Coding change: c.793T>G on transcript NM_000214.3 (MANE Select); coding-DNA position 793, T replaced by G.
Protein change: p.Cys265Gly; replaces cysteine 265 with glycine.
Molecular consequence: missense variant.
Genome position (GRCh38, 1-based): chr20:10,652,561, A>C on the plus strand (T>G on the coding strand, the complement: JAG1 is on the minus strand). VCF-style: chr20-10652561-A-C. GRCh37 (hg19) VCF-style: chr20-10633209-A-C.
Other names: short protein forms C265G.
Identifiers: ClinVar variation 2753866 (VCV002753866.5), dbSNP rs2514521755, ClinGen allele CA408239404.

ClinVar aggregate classification (germline): Uncertain significance (1 of 4 stars; one submission).

Conditions:
Alagille syndrome due to a JAG1 point mutation. Also called: HEPATIC DUCTULAR HYPOPLASIA, SYNDROMATIC; Alagille Syndrome 1; JAG1-Related Alagille Syndrome. Identifiers: Orphanet 261619, Orphanet 52, MedGen C1956125, MONDO:0016862, OMIM 118450.

Submissions (2):

Labcorp Genetics (formerly Invitae), Labcorp
Classification: Uncertain significance for Alagille syndrome due to a JAG1 point mutation. Last evaluated: 2023-10-07. Review status: criteria provided, single submitter. Criteria: Invitae Variant Classification Sherloc (09022015). Collection method: clinical testing. Allele origin: germline.
Comment: This sequence change replaces cysteine, which is neutral and slightly polar, with glycine, which is neutral and non-polar, at codon 265 of the JAG1 protein (p.Cys265Gly). This variant is not present in population databases (gnomAD no frequency). This variant has not been reported in the literature in individuals affected with JAG1-related conditions. Advanced modeling of protein sequence and biophysical properties (such as structural, functional, and spatial information, amino acid conservation, physicochemical variation, residue mobility, and thermodynamic stability) performed at Invitae indicates that this missense variant is expected to disrupt JAG1 protein function. In summary, the available evidence is currently insufficient to determine the role of this variant in disease. Therefore, it has been classified as a Variant of Uncertain Significance.

Gilbert/Spinner Lab, Children's Hospital of Philadelphia
No classification provided (evidence only). Condition: Alagille syndrome. Review status: no classification provided. Collection method: research. Allele origin: not applicable. Functional consequence: functionally_abnormal. Not counted in ClinVar's aggregate classification.
ClinVar note: "not provided" was previously submitted as the classification for the variant. However, the classification appeared to be based only on an observation of functional data so it was converted to no classification on 2025-07-30.